The following is an entry in ClinVar:

ClinVar aggregate classification (germline): Uncertain significance. Review status: criteria provided, multiple submitters, no conflicts (2 of 4 stars). 2 submissions from 2 submitters: Uncertain significance (2). Last evaluated 2023-11-13.

Conditions:
Asphyxiating thoracic dystrophy 5 (SRTD5). Also called: SHORT-RIB THORACIC DYSPLASIA 5 WITH OR WITHOUT POLYDACTYLY; SHORT-RIB THORACIC DYSPLASIA 5 WITHOUT POLYDACTYLY. Identifiers: Orphanet 474, MedGen C3280598, MONDO:0013717, OMIM 614376.
Nephronophthisis 13 (NPHP13). Identifiers: Orphanet 655, MedGen C3280612, MONDO:0013718, OMIM 614377.
Cranioectodermal dysplasia 4 (CED4). Identifiers: Orphanet 1515, MedGen C3280616, MONDO:0013719, OMIM 614378.
Senior-Loken syndrome 8 (SLSN8). Identifiers: Orphanet 3156, MedGen C4225376, MONDO:0014579, OMIM 616307.
Spermatogenic failure 72 (SPGF72). Identifiers: MedGen C5676980, MONDO:0030809, OMIM 619867.

Allele frequency attached by ClinVar (database versions not stated): gnomAD exomes 0.00001 and 0.00002; gnomAD 0.00002 and 0.00001; TOPMed 0.00004.

Submissions (2):

Labcorp Genetics (formerly Invitae), Labcorp
Classification: Uncertain significance for Senior-Loken syndrome 8; Asphyxiating thoracic dystrophy 5. Last evaluated: 2023-11-13. Review status: criteria provided, single submitter. Criteria: Invitae Variant Classification Sherloc (09022015). Collection method: clinical testing. Allele origin: germline.
Comment: This sequence change replaces alanine, which is neutral and non-polar, with threonine, which is neutral and polar, at codon 904 of the WDR19 protein (p.Ala904Thr). This variant is present in population databases (no rsID available, gnomAD 0.003%). This variant has not been reported in the literature in individuals affected with WDR19-related conditions. ClinVar contains an entry for this variant (Variation ID: 845048). Advanced modeling of protein sequence and biophysical properties (such as structural, functional, and spatial information, amino acid conservation, physicochemical variation, residue mobility, and thermodynamic stability) performed at Invitae indicates that this missense variant is not expected to disrupt WDR19 protein function with a negative predictive value of 80%. In summary, the available evidence is currently insufficient to determine the role of this variant in disease. Therefore, it has been classified as a Variant of Uncertain Significance.

Fulgent Genetics
Classification: Uncertain significance for Asphyxiating thoracic dystrophy 5; Nephronophthisis 13; Cranioectodermal dysplasia 4; Senior-Loken syndrome 8; Spermatogenic failure 72. Last evaluated: 2022-03-09. Review status: criteria provided, single submitter. Criteria: ACMG Guidelines, 2015. Collection method: clinical testing. Allele origin: unknown.

NM_025132.4(WDR19):c.2710G>A (p.Ala904Thr)

Gene: WDR19 (WD repeat domain 19; plus strand). Cytogenetic location: 4p14.
Variant type: single nucleotide variant.
Coding change: c.2710G>A on transcript NM_025132.4 (MANE Select); coding-DNA position 2710, G replaced by A.
Protein change: p.Ala904Thr; replaces alanine 904 with threonine.
Molecular consequence: missense variant.
Genome position (GRCh38, 1-based): chr4:39,245,433, G>A. VCF-style: chr4-39245433-G-A. GRCh37 (hg19) VCF-style: chr4-39247053-G-A.
Other names: c.2230G>A, p.Ala744Thr (NM_001317924.2); short protein forms A904T, A744T.
Identifiers: ClinVar variation 845048 (VCV000845048.7), dbSNP rs1407602801, ClinGen allele CA356639236.